The following is an entry in ClinVar:

ClinVar aggregate classification (germline): Benign. Review status: criteria provided, multiple submitters, no conflicts (2 of 4 stars). 2 submissions from 2 submitters: Benign (2). Last evaluated 2018-06-18.

Allele frequency attached by ClinVar (database versions not stated): gnomAD 0.58584 and 0.58166; TOPMed 0.58498; gnomAD exomes 0.62223; 1000 Genomes Project 30x 0.62570; 1000 Genomes Project 0.62859.

Submissions (2):

GeneDx
Classification: Benign. Last evaluated: 2018-06-18. Review status: criteria provided, single submitter. Criteria: GeneDx Variant Classification (06012015). Collection method: clinical testing. Allele origin: germline. Affected: yes.
Comment: This variant is considered likely benign or benign based on one or more of the following criteria: it is a conservative change, it occurs at a poorly conserved position in the protein, it is predicted to be benign by multiple in silico algorithms, and/or has population frequency not consistent with disease.

Breakthrough Genomics
Classification: Benign. Review status: criteria provided, single submitter. Criteria: ACMG Guidelines, 2015. Collection method: not provided. Allele origin: germline. Inheritance: Autosomal dominant inheritance. Affected: yes.

NM_005751.4(AKAP9):c.-285C>T

Gene: AKAP9 (A-kinase anchoring protein 9; plus strand). Cytogenetic location: 7q21.2.
Variant type: single nucleotide variant.
Coding change: c.-285C>T on transcript NM_005751.4; 285 bases upstream of the start codon, C replaced by T.
Genome position (GRCh38, 1-based): chr7:91,940,815, C>T. VCF-style: chr7-91940815-C-T. GRCh37 (hg19) VCF-style: chr7-91570129-C-T.
Identifiers: ClinVar variation 683171 (VCV000683171.4), dbSNP rs4727266, ClinGen allele CA12475457.